The following is an entry in ClinVar:

ClinVar aggregate classification (germline): Likely pathogenic. Review status: criteria provided, multiple submitters, no conflicts (2 of 4 stars). 2 submissions from 2 submitters: Likely pathogenic (2). Last evaluated 2020-07-07.

Submissions (2):

Labcorp Genetics (formerly Invitae), Labcorp
Classification: Likely pathogenic. Last evaluated: 2020-07-07. Review status: criteria provided, single submitter. Criteria: Invitae Variant Classification Sherloc (09022015). Collection method: clinical testing. Allele origin: germline.
Comment: In summary, the currently available evidence indicates that the variant is pathogenic, but additional data are needed to prove that conclusively. Therefore, this variant has been classified as Likely Pathogenic. Donor and acceptor splice site variants typically lead to a loss of protein function (PMID: 16199547), and loss-of-function variants in USH1C are known to be pathogenic (PMID: 10973247, 17407589, 20301442, 21203349). Algorithms developed to predict the effect of sequence changes on RNA splicing suggest that this variant may disrupt the consensus splice site, but this prediction has not been confirmed by published transcriptional studies. This variant has not been reported in the literature in individuals with USH1C-related conditions. ClinVar contains an entry for this variant (Variation ID: 502049). This variant is not present in population databases (ExAC no frequency). This sequence change affects a donor splice site in intron 16 of the USH1C gene. It is expected to disrupt RNA splicing and likely results in an absent or disrupted protein product.

Eurofins Ntd Llc (ga)
Classification: Likely pathogenic. Last evaluated: 2017-05-23. Review status: criteria provided, single submitter. Criteria: EGL Classification Definitions 2015. Collection method: clinical testing. Allele origin: germline. Observed: 1 variant allele, 1 heterozygote.

Literature cited by the submitters: PubMed 16199547 (cited by Labcorp Genetics (formerly Invitae), Labcorp); PubMed 10973247 (cited by Labcorp Genetics (formerly Invitae), Labcorp); PubMed 17407589 (cited by Labcorp Genetics (formerly Invitae), Labcorp); PubMed 20301442 (cited by Labcorp Genetics (formerly Invitae), Labcorp); PubMed 21203349 (cited by Labcorp Genetics (formerly Invitae), Labcorp).

NM_153676.4(USH1C):c.2226+2T>C

Gene: USH1C (USH1 protein network component harmonin; minus strand). Cytogenetic location: 11p15.1.
Variant type: single nucleotide variant.
Coding change: c.2226+2T>C on transcript NM_153676.4 (MANE Select); the canonical splice donor site of the intron after coding-DNA position 2226, T replaced by C.
Molecular consequence: splice donor variant.
Genome position (GRCh38, 1-based): chr11:17,501,937, A>G on the plus strand (T>C on the coding strand, the complement: USH1C is on the minus strand). VCF-style: chr11-17501937-A-G. GRCh37 (hg19) VCF-style: chr11-17523484-A-G.
Other names: c.1269+2T>C (NM_001297764.2); c.1326+2T>C (NM_005709.4).
Identifiers: ClinVar variation 502049 (VCV000502049.11), dbSNP rs1554954858, ClinGen allele CA379803801.